The following is an entry in ClinVar:

NM_001035.3(RYR2):c.12142T>G (p.Phe4048Val)

Gene: RYR2 (ryanodine receptor 2; plus strand). Cytogenetic location: 1q43.
Variant type: single nucleotide variant.
Coding change: c.12142T>G on transcript NM_001035.3 (MANE Select); coding-DNA position 12142, T replaced by G.
Protein change: p.Phe4048Val; replaces phenylalanine 4048 with valine.
Molecular consequence: missense variant.
Genome position (GRCh38, 1-based): chr1:237,783,854, T>G. VCF-style: chr1-237783854-T-G. GRCh37 (hg19) VCF-style: chr1-237947154-T-G.
Other names: short protein forms F4048V.
Identifiers: ClinVar variation 2792525 (VCV002792525.3), dbSNP rs771337614, ClinGen allele CA066239.
Genomic context (GRCh38, chr1:237,783,854, plus strand): 5'-TCGTCTGATACTTTTAAAGAATATGACCCCGATGGCAAGGGAGTCATTTCCAAGAGGGAC[T>G]TCCACAAAGCGATGGAGAGCCATAAGCACTACACGCAGTCAGAAACGGAATTTCTTTTGT-3'
Protein context (NP_001026.2, residues 4038-4058): DGKGVISKRD[Phe4048Val]HKAMESHKHY

ClinVar aggregate classification (germline): Uncertain significance (1 of 4 stars; one submission).

Conditions:
Catecholaminergic polymorphic ventricular tachycardia 1. Also called: VENTRICULAR TACHYCARDIA, STRESS-INDUCED POLYMORPHIC 1; VENTRICULAR TACHYCARDIA, CATECHOLAMINERGIC POLYMORPHIC, 1, WITH OR WITHOUT ATRIAL DYSFUNCTION AND/OR DILATED CARDIOMYOPATHY; RYR2-Related Catecholaminergic Polymorphic Ventricular Tachycardia. Identifiers: Orphanet 3286, MedGen C1631597, MONDO:0011484, OMIM 604772.

Allele frequency attached by ClinVar (database versions not stated): gnomAD exomes below 0.00001; ExAC 0.00001.
gnomAD v4.1: 1 of 1,613,896 alleles (0.000062%); highest among the groups gnomAD compares: South Asian, 0.0011%; no homozygotes.

Submission:

Labcorp Genetics (formerly Invitae), Labcorp
Classification: Uncertain significance for Catecholaminergic polymorphic ventricular tachycardia 1. Last evaluated: 2023-08-01. Review status: criteria provided, single submitter. Criteria: Invitae Variant Classification Sherloc (09022015). Collection method: clinical testing. Allele origin: germline.
Comment: Advanced modeling of protein sequence and biophysical properties (such as structural, functional, and spatial information, amino acid conservation, physicochemical variation, residue mobility, and thermodynamic stability) performed at Invitae indicates that this missense variant is expected to disrupt RYR2 protein function. In summary, the available evidence is currently insufficient to determine the role of this variant in disease. Therefore, it has been classified as a Variant of Uncertain Significance. This variant has not been reported in the literature in individuals affected with RYR2-related conditions. This variant is present in population databases (rs771337614, gnomAD 0.003%). This sequence change replaces phenylalanine, which is neutral and non-polar, with valine, which is neutral and non-polar, at codon 4048 of the RYR2 protein (p.Phe4048Val).